The following is an entry in ClinVar:

NM_000051.4(ATM):c.2848C>G (p.Leu950Val)

Gene: ATM (ATM serine/threonine kinase; plus strand). Cytogenetic location: 11q22.3.
Variant type: single nucleotide variant.
Coding change: c.2848C>G on transcript NM_000051.4 (MANE Select); coding-DNA position 2848, C replaced by G.
Protein change: p.Leu950Val; replaces leucine 950 with valine.
Molecular consequence: missense variant.
Genome position (GRCh38, 1-based): chr11:108,271,073, C>G. VCF-style: chr11-108271073-C-G. GRCh37 (hg19) VCF-style: chr11-108141800-C-G.
Other names: c.2848C>G, p.Leu950Val (NM_001351834.2); short protein forms L950V.
Identifiers: ClinVar variation 582528 (VCV000582528.8), dbSNP rs763064034, ClinGen allele CA382546713.

ClinVar aggregate classification (germline): Uncertain significance (1 of 4 stars; one submission).

Conditions:
Ataxia-telangiectasia syndrome (AT). Also called: Ataxia-telangiectasia, complementation group D; AT, COMPLEMENTATION GROUP C; Ataxia-telangiectasia, complementation group E; Cerebello-oculocutaneous telangiectasia; Immunodeficiency with ataxia telangiectasia; ATAXIA-TELANGIECTASIA, COMPLEMENTATION GROUP A. Identifiers: Orphanet 100, MedGen C0004135, MONDO:0008840, OMIM 208900.

Submission:

Labcorp Genetics (formerly Invitae), Labcorp
Classification: Uncertain significance for Ataxia-telangiectasia syndrome. Last evaluated: 2018-06-23. Review status: criteria provided, single submitter. Criteria: Invitae Variant Classification Sherloc (09022015). Collection method: clinical testing. Allele origin: germline.
Comment: Algorithms developed to predict the effect of missense changes on protein structure and function are either unavailable or do not agree on the potential impact of this missense change (SIFT: "Tolerated"; PolyPhen-2: "Probably Damaging"; Align-GVGD: "Class C0"). This variant has not been reported in the literature in individuals with ATM-related disease. This variant is not present in population databases (ExAC no frequency). This sequence change replaces leucine with valine at codon 950 of the ATM protein (p.Leu950Val). The leucine residue is moderately conserved and there is a small physicochemical difference between leucine and valine. In summary, the available evidence is currently insufficient to determine the role of this variant in disease. Therefore, it has been classified as a Variant of Uncertain Significance. Variants that disrupt the p.Leu950 amino acid residue in ATM have been observed in affected individuals (PMID: 10873394, 12552559, 20678261, 21792198). This suggests that it is a clinically significant residue, and that other variants that disrupt this residue are likely to be causative of disease.

Literature cited by the submitters: PubMed 10873394; PubMed 12552559; PubMed 20678261; PubMed 21792198.